The following is an entry in ClinVar:

NM_205861.3(DHDDS):c.180+8T>C

Gene: DHDDS (dehydrodolichyl diphosphate synthase subunit; plus strand). Cytogenetic location: 1p36.11.
Variant type: single nucleotide variant.
Coding change: c.180+8T>C on transcript NM_205861.3 (MANE Select); 8 bases into the intron after coding-DNA position 180, T replaced by C.
Molecular consequence: intron variant.
Genome position (GRCh38, 1-based): chr1:26,438,292, T>C. VCF-style: chr1-26438292-T-C. GRCh37 (hg19) VCF-style: chr1-26764783-T-C.
Other names: c.-123+8T>C (NM_001319959.2); c.180+8T>C (NM_024887.4, NM_001243564.2, NM_001243565.2).
Identifiers: ClinVar variation 2019256 (VCV002019256.4), dbSNP rs2524466579, ClinGen allele CA2580062617.
Genomic context (GRCh38, chr1:26,438,292, plus strand): 5'-GCCAGGTGGAGCGGCAGGAAGGCCACTCACAGGGCTTCAACAAGCTAGCTGAGGTGGGTG[T>C]GTATGGCAGAGCCCAAAGTGAACAGTCTGTGGAGAGGTAGATTATAGCTAGAAAACCAGG-3'

ClinVar aggregate classification (germline): Uncertain significance (1 of 4 stars; one submission).

Conditions:
Retinitis pigmentosa 59 (RP59). Identifiers: Orphanet 791, MedGen C3151227, MONDO:0013468, OMIM 613861.

Submission:

Labcorp Genetics (formerly Invitae), Labcorp
Classification: Uncertain significance for Retinitis pigmentosa 59. Last evaluated: 2022-07-23. Review status: criteria provided, single submitter. Criteria: Invitae Variant Classification Sherloc (09022015). Collection method: clinical testing. Allele origin: germline.
Comment: This sequence change falls in intron 3 of the DHDDS gene. It does not directly change the encoded amino acid sequence of the DHDDS protein. In summary, the available evidence is currently insufficient to determine the role of this variant in disease. Therefore, it has been classified as a Variant of Uncertain Significance. Algorithms developed to predict the effect of sequence changes on RNA splicing suggest that this variant may create or strengthen a splice site. This variant has not been reported in the literature in individuals affected with DHDDS-related conditions. This variant is not present in population databases (gnomAD no frequency).